The following is an entry in ClinVar:

ClinVar aggregate classification (germline): Benign (0 of 4 stars; one submission).

Conditions:
PLEKHA7-related disorder. Also called: PLEKHA7-related condition.

Allele frequency attached by ClinVar (database versions not stated): 1000 Genomes Project 30x 0.00515; 1000 Genomes Project 0.00519; gnomAD 0.01099; TOPMed 0.01103; ExAC 0.01303; ESP Exome Variant Server 0.01317; gnomAD exomes 0.01464.
gnomAD v4.1: 23,042 of 1,614,120 alleles (1.4%); highest among the groups gnomAD compares: Non-Finnish European, 1.6%; 187 homozygotes.

Submission:

PreventionGenetics, part of Exact Sciences
Classification: Benign for PLEKHA7-related condition. Last evaluated: 2019-07-30. Review status: no assertion criteria provided. Collection method: clinical testing. Allele origin: germline.
Comment: This variant is classified as benign based on ACMG/AMP sequence variant interpretation guidelines (Richards et al. 2015 PMID: 25741868, with internal and published modifications).

NM_001329630.2(PLEKHA7):c.943C>T (p.Arg315Trp)

Gene: PLEKHA7 (pleckstrin homology domain containing A7; minus strand). Cytogenetic location: 11p15.2.
Variant type: single nucleotide variant.
Coding change: c.943C>T on transcript NM_001329630.2 (MANE Select); coding-DNA position 943, C replaced by T.
Protein change: p.Arg315Trp; replaces arginine 315 with tryptophan.
Molecular consequence: missense variant.
Genome position (GRCh38, 1-based): chr11:16,826,520, G>A on the plus strand (C>T on the coding strand, the complement: PLEKHA7 is on the minus strand). VCF-style: chr11-16826520-G-A. GRCh37 (hg19) VCF-style: chr11-16848067-G-A.
Other names: c.943C>T, p.Arg315Trp (NM_001329631.2, NM_001410960.1, NM_175058.5); short protein forms R315W.
Identifiers: ClinVar variation 3060351 (VCV003060351.2), dbSNP rs79143472, ClinGen allele CA5899596.